The following is an entry in ClinVar:

NM_001458.5(FLNC):c.1634A>C (p.Tyr545Ser)

Gene: FLNC (filamin C; plus strand). Cytogenetic location: 7q32.1.
Variant type: single nucleotide variant.
Coding change: c.1634A>C on transcript NM_001458.5 (MANE Select); coding-DNA position 1634, A replaced by C.
Protein change: p.Tyr545Ser; replaces tyrosine 545 with serine.
Molecular consequence: missense variant.
Genome position (GRCh38, 1-based): chr7:128,840,632, A>C. VCF-style: chr7-128840632-A-C. GRCh37 (hg19) VCF-style: chr7-128480686-A-C.
Other names: c.1634A>C, p.Tyr545Ser (NM_001127487.2); short protein forms Y545S.
Identifiers: ClinVar variation 3221702 (VCV003221702.1), dbSNP rs2536626495, ClinGen allele CA369226714.
Genomic context (GRCh38, chr7:128,840,632, plus strand): 5'-TGCGGGAGGCTGGGGATGGTGTGTTCGAGTGCGAGTACTACCCGGTGGTGCCTGGGAAGT[A>C]TGTGGTGACCATCACGTGGGGCGGCTACGCCATCCCTCGCAGGTGAGTACCTTGCGCCCC-3'
Protein context (NP_001449.3, residues 535-555): CEYYPVVPGK[Tyr545Ser]VVTITWGGYA

ClinVar aggregate classification (germline): Uncertain significance (1 of 4 stars; one submission).

Conditions:
Cardiovascular phenotype. Identifiers: MedGen CN230736.

Submission:

Ambry Genetics
Classification: Uncertain significance for Cardiovascular phenotype. Last evaluated: 2024-03-04. Review status: criteria provided, single submitter. Criteria: Ambry Variant Classification Scheme 2023. Collection method: clinical testing. Allele origin: germline.
Comment: The p.Y545S variant (also known as c.1634A>C), located in coding exon 10 of the FLNC gene, results from an A to C substitution at nucleotide position 1634. The tyrosine at codon 545 is replaced by serine, an amino acid with dissimilar properties. This amino acid position is conserved. In addition, this alteration is predicted to be deleterious by in silico analysis. Based on the available evidence, the clinical significance of this alteration remains unclear.